The following is an entry in ClinVar:

ClinVar aggregate classification (germline): Uncertain significance (1 of 4 stars; one submission).

Allele frequency attached by ClinVar (database versions not stated): gnomAD 0.00001; gnomAD exomes below 0.00001; TOPMed 0.00002.
gnomAD v4.1: 8 of 1,613,998 alleles (0.0005%); highest among the groups gnomAD compares: African/African-American, 0.0093%; no homozygotes.

Submission:

Labcorp Genetics (formerly Invitae), Labcorp
Classification: Uncertain significance. Last evaluated: 2025-03-03. Review status: criteria provided, single submitter. Criteria: Invitae Variant Classification Sherloc (09022015). Collection method: clinical testing. Allele origin: germline.
Comment: This sequence change replaces glutamine, which is neutral and polar, with histidine, which is basic and polar, at codon 1816 of the CACNA1D protein (p.Gln1816His). This variant is present in population databases (no rsID available, gnomAD 0.008%). This variant has not been reported in the literature in individuals affected with CACNA1D-related conditions. ClinVar contains an entry for this variant (Variation ID: 2901472). An algorithm developed to predict the effect of missense changes on protein structure and function outputs the following: PolyPhen-2: "Benign". The histidine amino acid residue is found in multiple mammalian species, which suggests that this missense change does not adversely affect protein function. In summary, the available evidence is currently insufficient to determine the role of this variant in disease. Therefore, it has been classified as a Variant of Uncertain Significance.

NM_001128840.3(CACNA1D):c.5388G>C (p.Gln1796His)

Gene: CACNA1D (calcium voltage-gated channel subunit alpha1 D; plus strand). Cytogenetic location: 3p21.1.
Variant type: single nucleotide variant.
Coding change: c.5388G>C on transcript NM_001128840.3 (MANE Select); coding-DNA position 5388, G replaced by C.
Protein change: p.Gln1796His; replaces glutamine 1796 with histidine.
Molecular consequence: missense variant.
Genome position (GRCh38, 1-based): chr3:53,801,405, G>C. VCF-style: chr3-53801405-G-C. GRCh37 (hg19) VCF-style: chr3-53835432-G-C.
Other names: c.5343G>C, p.Gln1781His (NM_001128839.3); c.5448G>C, p.Gln1816His (NM_000720.4); short protein forms Q1796H, Q1816H, Q1781H.
Identifiers: ClinVar variation 2901472 (VCV002901472.3), dbSNP rs1348788074, ClinGen allele CA353251798.